The following is an entry in ClinVar:

ClinVar aggregate classification (germline): Uncertain significance (1 of 4 stars; one submission).

Conditions:
Nemaline myopathy 2 (NEM2). Also called: Nemaline myopathy 2, autosomal recessive. Identifiers: MedGen C1850569, MONDO:0009725, OMIM 256030.

Allele frequency attached by ClinVar (database versions not stated): gnomAD 0.00001; TOPMed 0.00001.
gnomAD v4.1: 2 of 1,612,996 alleles (0.00012%); highest among the groups gnomAD compares: Admixed American, 0.0017%; no homozygotes.

Submission:

Labcorp Genetics (formerly Invitae), Labcorp
Classification: Uncertain significance for Nemaline myopathy 2. Last evaluated: 2024-10-18. Review status: criteria provided, single submitter. Criteria: Invitae Variant Classification Sherloc (09022015). Collection method: clinical testing. Allele origin: germline.
Comment: This sequence change replaces serine, which is neutral and polar, with isoleucine, which is neutral and non-polar, at codon 6647 of the NEB protein (p.Ser6647Ile). This variant is not present in population databases (gnomAD no frequency). This variant has not been reported in the literature in individuals affected with NEB-related conditions. ClinVar contains an entry for this variant (Variation ID: 1430968). Experimental studies and prediction algorithms are not available or were not evaluated, and the functional significance of this variant is currently unknown. In summary, the available evidence is currently insufficient to determine the role of this variant in disease. Therefore, it has been classified as a Variant of Uncertain Significance.

NM_001164508.2(NEB):c.19940G>T (p.Ser6647Ile)

Gene: NEB (nebulin; minus strand). Cytogenetic location: 2q23.3.
Variant type: single nucleotide variant.
Coding change: c.19940G>T on transcript NM_001164508.2 (MANE Select); coding-DNA position 19940, G replaced by T.
Protein change: p.Ser6647Ile; replaces serine 6647 with isoleucine.
Molecular consequence: missense variant.
Genome position (GRCh38, 1-based): chr2:151,551,742, C>A on the plus strand (G>T on the coding strand, the complement: NEB is on the minus strand). VCF-style: chr2-151551742-C-A. GRCh37 (hg19) VCF-style: chr2-152408256-C-A.
Other names: c.19940G>T, p.Ser6647Ile (NM_001164507.2, NM_001271208.2); c.14837G>T, p.Ser4946Ile (NM_004543.5); short protein forms S6647I, S4946I.
Identifiers: ClinVar variation 1430968 (VCV001430968.4), dbSNP rs2095355799, ClinGen allele CA348787140.
Genomic context (GRCh38, chr2:151,551,742, plus strand): 5'-CACAGAGGCTGATGGAACGGATTTCTGCTGGGCACTCTCAAGTTCTCACTGCTCACCGAA[C>A]TCTGGAGCTTGTATGCATGAAGGGCCCGGTCCAGATCCACGGTTTTGGTAGTTGGAGCCA-3'
Protein context (NP_001157980.2, residues 6637-6657): DRALHAYKLQ[Ser6647Ile]SNLYKTSLRT